The following is an entry in ClinVar:

NM_022765.4(MICAL1):c.1925T>C (p.Leu642Pro)

Gene: MICAL1 (microtubule associated monooxygenase, calponin and LIM domain containing 1; minus strand). Cytogenetic location: 6q21.
Variant type: single nucleotide variant.
Coding change: c.1925T>C on transcript NM_022765.4 (MANE Select); coding-DNA position 1925, T replaced by C.
Protein change: p.Leu642Pro; replaces leucine 642 with proline.
Molecular consequence: missense variant.
Genome position (GRCh38, 1-based): chr6:109,447,894, A>G on the plus strand (T>C on the coding strand, the complement: MICAL1 is on the minus strand). VCF-style: chr6-109447894-A-G. GRCh37 (hg19) VCF-style: chr6-109769097-A-G.
Other names: c.1667T>C, p.Leu556Pro (NM_001159291.2); c.1982T>C, p.Leu661Pro (NM_001286613.2); short protein forms L556P, L661P, L642P.
Identifiers: ClinVar variation 4734647 (VCV004734647.1).
Genomic context (GRCh38, chr6:109,447,894, plus strand): 5'-ACTCCTCCCTGCTCAGCTCCAGCCCTGCCTAAACTCTCCACCTTGGCCCGGGATCGCTGC[A>G]GGGTCCTCTGAAGTTTACTAAGGAATAATACAGCACTGGAGGTCCCTGGGGAGGCCTGGC-3'
Protein context (NP_073602.3, residues 632-652): VLFLSKLQRT[Leu642Pro]QRSRAKENAE

ClinVar aggregate classification (germline): Uncertain significance (1 of 4 stars; one submission).

Submission:

Labcorp Genetics (formerly Invitae), Labcorp
Classification: Uncertain significance. Last evaluated: 2026-01-12. Review status: criteria provided, single submitter. Criteria: Invitae Variant Classification Sherloc (09022015). Collection method: clinical testing. Allele origin: germline.
Comment: This sequence change replaces leucine, which is neutral and non-polar, with proline, which is neutral and non-polar, at codon 661 of the MICAL1 protein (p.Leu661Pro). This variant is not present in population databases (gnomAD no frequency). This variant has not been reported in the literature in individuals affected with MICAL1-related conditions. An algorithm developed to predict the effect of missense changes on protein structure and function (PolyPhen-2) suggests that this variant is likely to be disruptive. In summary, the available evidence is currently insufficient to determine the role of this variant in disease. Therefore, it has been classified as a Variant of Uncertain Significance.